The following is an entry in ClinVar:

ClinVar aggregate classification (germline): Pathogenic/Likely pathogenic. Review status: criteria provided, multiple submitters, no conflicts (2 of 4 stars). 4 submissions from 4 submitters: Pathogenic (2); Likely pathogenic (2). Last evaluated 2024-01-23.

Conditions:
Familial cancer of breast. Also called: Hereditary breast cancer; BREAST CANCER, FAMILIAL; hereditary breast carcinoma. Identifiers: Orphanet 227535, MedGen C0346153, MONDO:0016419, OMIM 114480. Disease mechanism: loss of function.
Ataxia-telangiectasia syndrome (AT). Also called: LOUIS-BAR SYNDROME; ATAXIA-TELANGIECTASIA, COMPLEMENTATION GROUP A; ATAXIA-TELANGIECTASIA, FRESNO VARIANT; Ataxia-telangiectasia; Cerebello-oculocutaneous telangiectasia; Immunodeficiency with ataxia telangiectasia. Identifiers: Orphanet 100, MedGen C0004135, MONDO:0008840, OMIM 208900.

Submissions (4):

Myriad Genetics, Inc.
Classification: Pathogenic for Familial cancer of breast. Last evaluated: 2024-01-23. Review status: criteria provided, single submitter. Criteria: Myriad Autosomal Dominant, Autosomal Recessive and X-Linked Classification Criteria (2023). Collection method: clinical testing. Allele origin: unknown.
Comment: This variant is considered pathogenic. This variant creates a frameshift predicted to result in premature protein truncation.

Baylor Genetics
Classification: Likely pathogenic for Familial cancer of breast. Last evaluated: 2023-01-05. Review status: criteria provided, single submitter. Criteria: ACMG Guidelines, 2015. Collection method: clinical testing. Allele origin: unknown.

Labcorp Genetics (formerly Invitae), Labcorp
Classification: Pathogenic for Ataxia-telangiectasia syndrome. Last evaluated: 2020-10-15. Review status: criteria provided, single submitter. Criteria: Invitae Variant Classification Sherloc (09022015). Collection method: clinical testing. Allele origin: germline.
Comment: This sequence change creates a premature translational stop signal (p.Ser1281Valfs*3) in the ATM gene. It is expected to result in an absent or disrupted protein product. This variant is not present in population databases (ExAC no frequency). This variant has not been reported in the literature in individuals with ATM-related conditions. ClinVar contains an entry for this variant (Variation ID: 265554). Loss-of-function variants in ATM are known to be pathogenic (PMID: 23807571, 25614872). For these reasons, this variant has been classified as Pathogenic.

GeneDx
Classification: Likely pathogenic. Last evaluated: 2016-02-18. Review status: criteria provided, single submitter. Criteria: GeneDx Variant Classification (06012015). Collection method: clinical testing. Allele origin: germline. Affected: yes.
Comment: This deletion of one nucleotide in ATM is denoted c.3841delA at the cDNA level and p.Ser1281ValfsX3 (S1281VfsX3) at the protein level. The normal sequence, with the base that is deleted in braces, is GAAA[A]GTCT. The deletion causes a frameshift which changes a Serine to a Valine at codon 1281, and creates a premature stop codon at position 3 of the new reading frame. Although this variant has not, to our knowledge, been reported in the literature, it is predicted to cause loss of normal protein function through either protein truncation or nonsense-mediated mRNA decay. Based on the currently available information, we consider this deletion to be a likely pathogenic variant.

Literature cited by the submitters: PubMed 23807571 (cited by Labcorp Genetics (formerly Invitae), Labcorp); PubMed 25614872 (cited by Labcorp Genetics (formerly Invitae), Labcorp).

NM_000051.4(ATM):c.3841del (p.Ser1281fs)

Gene: ATM (ATM serine/threonine kinase; plus strand). Cytogenetic location: 11q22.3.
Variant type: Deletion.
Coding change: c.3841del on transcript NM_000051.4 (MANE Select); coding-DNA position 3841, one base deleted (A; older notation c.3841delA).
Protein change: p.Ser1281fs; shifts the reading frame from serine 1281.
Molecular consequence: frameshift variant.
Genome position (GRCh38, 1-based): chr11:108,284,321, A deleted; the last of 4 consecutive A bases (chr11:108,284,318-108,284,321); deleting any one gives the same sequence. VCF-style (leftmost placement, unchanged base first): chr11-108284317-GA-G. GRCh37 (hg19) VCF-style: chr11-108155044-GA-G.
Other names: c.3841delA (NM_000051.3); c.3841del, p.Ser1281fs (NM_001351834.2); short protein forms S1281fs.
Identifiers: ClinVar variation 265554 (VCV000265554.10), dbSNP rs886039621, ClinGen allele CA10588497.